The following is an entry in ClinVar:

ClinVar aggregate classification (germline): Uncertain significance (0 of 4 stars; one submission).

Conditions:
alpha Thalassemia. Also called: Alpha thalassemia spectrum. Identifiers: Orphanet 846, MedGen C0002312, MONDO:0011399, OMIM 604131.

gnomAD v4.1: 2 of 1,613,312 alleles (0.00012%); highest among the groups gnomAD compares: South Asian, 0.0022%; no homozygotes.

Submission:

Precision Medicine Lab Center, Yangjiang People's Hospital
Classification: Uncertain significance for alpha Thalassemia. Last evaluated: 2023-11-09. Review status: no assertion criteria provided. Collection method: clinical testing. Allele origin: germline. Affected: yes. Observed: 1 variant allele.
Comment: The HBA1:c.314G>A mutation refers to the substitution of G with A at the 314th base in the coding sequence of the α1 gene. This results in the corresponding encoded amino acid changing from Cys to Tyr.

NM_000558.5(HBA1):c.314G>A (p.Cys105Tyr)

Genes: HBA1 (hemoglobin subunit alpha 1; plus strand), LOC106804613 (hemoglobin subunit alpha 1 recombination region; plus strand). Cytogenetic location: 16p13.3.
Variant type: single nucleotide variant.
Coding change: c.314G>A on transcript NM_000558.5 (MANE Select); coding-DNA position 314, G replaced by A.
Protein change: p.Cys105Tyr; replaces cysteine 105 with tyrosine.
Molecular consequence: missense variant.
Genome position (GRCh38, 1-based): chr16:177,296, G>A. VCF-style: chr16-177296-G-A. GRCh37 (hg19) VCF-style: chr16-227295-G-A.
Other names: short protein forms C105Y.
Identifiers: ClinVar variation 4280316 (VCV004280316.1).